The following is an entry in ClinVar:

NM_017849.4(TMEM127):c.103C>G (p.Leu35Val)

Genes: TMEM127 (transmembrane protein 127; minus strand), LOC129934333 (ATAC-STARR-seq lymphoblastoid silent region 11759; plus strand). Cytogenetic location: 2q11.2.
Variant type: single nucleotide variant.
Coding change: c.103C>G on transcript NM_017849.4 (MANE Select); coding-DNA position 103, C replaced by G.
Protein change: p.Leu35Val; replaces leucine 35 with valine.
Molecular consequence: missense variant. On other transcripts: intron variant (1).
Genome position (GRCh38, 1-based): chr2:96,265,279, G>C on the plus strand (C>G on the coding strand, the complement: TMEM127 is on the minus strand). VCF-style: chr2-96265279-G-C. GRCh37 (hg19) VCF-style: chr2-96931017-G-C.
Other names: c.103C>G, p.Leu35Val (NM_001193304.3); c.-9+590C>G (NM_001407283.1); short protein forms L35V.
Identifiers: ClinVar variation 4777602 (VCV004777602.1).

ClinVar aggregate classification (germline): Uncertain significance (1 of 4 stars; one submission).

Conditions:
Hereditary pheochromocytoma and paraganglioma. Also called: Hereditary Paraganglioma-Pheochromocytoma Syndromes; Hereditary paragangliomas and pheochromocytomas; Hereditary pheochromocytoma-paraganglioma. Identifiers: Orphanet 29072, MedGen C4274332, MONDO:0017366.

Submission:

Labcorp Genetics (formerly Invitae), Labcorp
Classification: Uncertain significance for Hereditary pheochromocytoma and paraganglioma. Last evaluated: 2025-08-03. Review status: criteria provided, single submitter. Criteria: Invitae Variant Classification Sherloc (09022015). Collection method: clinical testing. Allele origin: germline.
Comment: This sequence change replaces leucine, which is neutral and non-polar, with valine, which is neutral and non-polar, at codon 35 of the TMEM127 protein (p.Leu35Val). This variant is not present in population databases (gnomAD no frequency). This variant has not been reported in the literature in individuals affected with TMEM127-related conditions. An algorithm developed to predict the effect of missense changes on protein structure and function (PolyPhen-2) suggests that this variant is likely to be tolerated. In summary, the available evidence is currently insufficient to determine the role of this variant in disease. Therefore, it has been classified as a Variant of Uncertain Significance.